The following is an entry in ClinVar:

ClinVar aggregate classification (germline): Benign (1 of 4 stars; one submission).

Allele frequency attached by ClinVar (database versions not stated): ESP Exome Variant Server 0.06743; 1000 Genomes Project 30x 0.06886; 1000 Genomes Project 0.06969; gnomAD 0.07177 and 0.07228; TOPMed 0.07743; gnomAD exomes 0.08667 and 0.09611; ExAC 0.09047.
gnomAD v4.1: 135,619 of 1,594,818 alleles (8.5%); highest among the groups gnomAD compares: Admixed American, 19%; 6,704 homozygotes.

Submission:

GeneDx
Classification: Benign. Last evaluated: 2018-06-16. Review status: criteria provided, single submitter. Criteria: GeneDx Variant Classification (06012015). Collection method: clinical testing. Allele origin: germline. Affected: yes.
Comment: This variant is considered likely benign or benign based on one or more of the following criteria: it is a conservative change, it occurs at a poorly conserved position in the protein, it is predicted to be benign by multiple in silico algorithms, and/or has population frequency not consistent with disease.

NM_182961.4(SYNE1):c.21862-37A>G

Gene: SYNE1 (spectrin repeat containing nuclear envelope protein 1; minus strand). Cytogenetic location: 6q25.2.
Variant type: single nucleotide variant.
Coding change: c.21862-37A>G on transcript NM_182961.4 (MANE Select); 37 bases into the intron before coding-DNA position 21862, A replaced by G.
Molecular consequence: intron variant.
Genome position (GRCh38, 1-based): chr6:152,219,222, T>C on the plus strand (A>G on the coding strand, the complement: SYNE1 is on the minus strand). VCF-style: chr6-152219222-T-C. GRCh37 (hg19) VCF-style: chr6-152540357-T-C.
Other names: c.21649-37A>G (NM_033071.5).
Identifiers: ClinVar variation 670204 (VCV000670204.1), dbSNP rs17195304, ClinGen allele CA4054036.